The following is an entry in ClinVar:

NM_017617.5(NOTCH1):c.3852C>G (p.Cys1284Trp)

Gene: NOTCH1 (notch receptor 1; minus strand). Cytogenetic location: 9q34.3.
Variant type: single nucleotide variant.
Coding change: c.3852C>G on transcript NM_017617.5 (MANE Select); coding-DNA position 3852, C replaced by G.
Protein change: p.Cys1284Trp; replaces cysteine 1284 with tryptophan.
Molecular consequence: missense variant.
Genome position (GRCh38, 1-based): chr9:136,506,765, G>C on the plus strand (C>G on the coding strand, the complement: NOTCH1 is on the minus strand). VCF-style: chr9-136506765-G-C. GRCh37 (hg19) VCF-style: chr9-139401217-G-C.
Other names: c.3852C>G, p.Cys1284Trp (LRG_1122t1); short protein forms C1284W.
Identifiers: ClinVar variation 636755 (VCV000636755.6), dbSNP rs377289044, ClinGen allele CA5340789.

ClinVar aggregate classification (germline): Uncertain significance. Review status: criteria provided, multiple submitters, no conflicts (2 of 4 stars). 2 submissions from 2 submitters: Uncertain significance (2). Last evaluated 2022-09-05.

Conditions:
Adams-Oliver syndrome 5 (AOS5). Identifiers: Orphanet 974, MedGen C4014970, MONDO:0014459, OMIM 616028.

Allele frequency attached by ClinVar (database versions not stated): TOPMed 0.00001; ESP Exome Variant Server 0.00008.
gnomAD v4.1: 12 of 1,607,728 alleles (0.00075%); highest among the groups gnomAD compares: Non-Finnish European, 0.001%; no homozygotes.

Submissions (2):

Labcorp Genetics (formerly Invitae), Labcorp
Classification: Uncertain significance for Adams-Oliver syndrome 5. Last evaluated: 2022-09-05. Review status: criteria provided, single submitter. Criteria: Invitae Variant Classification Sherloc (09022015). Collection method: clinical testing. Allele origin: germline.
Comment: This sequence change replaces cysteine, which is neutral and slightly polar, with tryptophan, which is neutral and slightly polar, at codon 1284 of the NOTCH1 protein (p.Cys1284Trp). In summary, the available evidence is currently insufficient to determine the role of this variant in disease. Therefore, it has been classified as a Variant of Uncertain Significance. Advanced modeling of protein sequence and biophysical properties (such as structural, functional, and spatial information, amino acid conservation, physicochemical variation, residue mobility, and thermodynamic stability) performed at Invitae indicates that this missense variant is expected to disrupt NOTCH1 protein function. ClinVar contains an entry for this variant (Variation ID: 636755). This variant has not been reported in the literature in individuals affected with NOTCH1-related conditions. This variant is present in population databases (rs377289044, gnomAD 0.0009%).

Blueprint Genetics
Classification: Uncertain significance. Last evaluated: 2018-08-17. Review status: criteria provided, single submitter. Criteria: ACMG Guidelines, 2015. Collection method: clinical testing. Allele origin: germline.